The following is an entry in ClinVar:

ClinVar aggregate classification (germline): Uncertain significance (1 of 4 stars; one submission).

Conditions:
Peroxisome biogenesis disorder 3A (Zellweger). Also called: PEROXISOMAL BIOGENESIS DISORDER 3A (ZELLWEGER); Peroxisome biogenesis disorder 3A. Identifiers: Orphanet 912, MedGen C3553929, MONDO:0013927, OMIM 614859.

Allele frequency attached by ClinVar (database versions not stated): TOPMed below 0.00001.

Submission:

Labcorp Genetics (formerly Invitae), Labcorp
Classification: Uncertain significance for Peroxisome biogenesis disorder 3A (Zellweger). Last evaluated: 2021-09-01. Review status: criteria provided, single submitter. Criteria: Invitae Variant Classification Sherloc (09022015). Collection method: clinical testing. Allele origin: germline.
Comment: This sequence change replaces serine with asparagine at codon 227 of the PEX12 protein (p.Ser227Asn). The serine residue is moderately conserved and there is a small physicochemical difference between serine and asparagine. This variant also falls at the last nucleotide of exon 2, which is part of the consensus splice site for this exon. This variant is not present in population databases (ExAC no frequency). This variant has not been reported in the literature in individuals affected with PEX12-related conditions. Algorithms developed to predict the effect of missense changes on protein structure and function are either unavailable or do not agree on the potential impact of this missense change (SIFT: "Tolerated"; PolyPhen-2: "Possibly Damaging"; Align-GVGD: "Class C0"). Variants that disrupt the consensus splice site are a relatively common cause of aberrant splicing (PMID: 17576681, 9536098). Algorithms developed to predict the effect of sequence changes on RNA splicing suggest that this variant may disrupt the consensus splice site. In summary, the available evidence is currently insufficient to determine the role of this variant in disease. Therefore, it has been classified as a Variant of Uncertain Significance.

Literature cited by the submitters: PubMed 17576681; PubMed 9536098.

NM_000286.3(PEX12):c.680G>A (p.Ser227Asn)

Gene: PEX12 (peroxisomal biogenesis factor 12; minus strand). Cytogenetic location: 17q12.
Variant type: single nucleotide variant.
Coding change: c.680G>A on transcript NM_000286.3 (MANE Select); coding-DNA position 680, G replaced by A.
Protein change: p.Ser227Asn; replaces serine 227 with asparagine.
Molecular consequence: missense variant.
Genome position (GRCh38, 1-based): chr17:35,577,038, C>T on the plus strand (G>A on the coding strand, the complement: PEX12 is on the minus strand). VCF-style: chr17-35577038-C-T. GRCh37 (hg19) VCF-style: chr17-33904057-C-T.
Other names: short protein forms S227N.
Identifiers: ClinVar variation 965507 (VCV000965507.7), dbSNP rs1428801230, ClinGen allele CA399137615.